The following is an entry in ClinVar:

NM_001195263.2(PDZD7):c.1684C>T (p.Gln562Ter)

Gene: PDZD7 (PDZ domain containing 7; minus strand). Cytogenetic location: 10q24.31.
Variant type: single nucleotide variant.
Coding change: c.1684C>T on transcript NM_001195263.2 (MANE Select); coding-DNA position 1684, C replaced by T.
Protein change: p.Gln562Ter; replaces glutamine 562 with a stop codon.
Molecular consequence: nonsense.
Genome position (GRCh38, 1-based): chr10:101,015,701, G>A on the plus strand (C>T on the coding strand, the complement: PDZD7 is on the minus strand). VCF-style: chr10-101015701-G-A. GRCh37 (hg19) VCF-style: chr10-102775458-G-A.
Other names: short protein forms Q562*.
Identifiers: ClinVar variation 2088589 (VCV002088589.4), dbSNP rs2492822585, ClinGen allele CA378226913.
Genomic context (GRCh38, chr10:101,015,701, plus strand): 5'-AGCAGTGGCGGGTGACAGCCAGCACCTCGTCATCAGTCAGCAGCCTCTGGGCCAGGTCCT[G>A]AATGAGGGGCCGCCGGCTCTCCCAGGCCTGAACCTGCTCATCCACATTAGGCAGCTGGCT-3'

ClinVar aggregate classification (germline): Pathogenic (1 of 4 stars; one submission).

gnomAD v4.1: 6 of 1,550,438 alleles (0.00039%); highest among the groups gnomAD compares: Non-Finnish European, 0.00052%; no homozygotes.

Submission:

Labcorp Genetics (formerly Invitae), Labcorp
Classification: Pathogenic. Last evaluated: 2022-01-31. Review status: criteria provided, single submitter. Criteria: Invitae Variant Classification Sherloc (09022015). Collection method: clinical testing. Allele origin: germline.
Comment: For these reasons, this variant has been classified as Pathogenic. This variant has not been reported in the literature in individuals affected with PDZD7-related conditions. This variant is not present in population databases (gnomAD no frequency). This sequence change creates a premature translational stop signal (p.Gln562*) in the PDZD7 gene. It is expected to result in an absent or disrupted protein product. Loss-of-function variants in PDZD7 are known to be pathogenic (PMID: 20440071).

Literature cited by the submitters: PubMed 20440071.